The following is an entry in ClinVar:

ClinVar aggregate classification (germline): Uncertain significance. Review status: criteria provided, multiple submitters, no conflicts (2 of 4 stars). 2 submissions from 2 submitters: Uncertain significance (2). Last evaluated 2024-10-24.

Conditions:
Cardiovascular phenotype. Identifiers: MedGen CN230736.

Allele frequency attached by ClinVar (database versions not stated): gnomAD exomes below 0.00001 and 0.00001; ExAC 0.00001.
gnomAD v4.1: 8 of 1,613,186 alleles (0.0005%); highest among the groups gnomAD compares: South Asian, 0.0011%; no homozygotes.

Submissions (2):

Ambry Genetics
Classification: Uncertain significance for Cardiovascular phenotype. Last evaluated: 2024-10-24. Review status: criteria provided, single submitter. Criteria: Ambry Variant Classification Scheme 2023. Collection method: clinical testing. Allele origin: germline.
Comment: The p.P174S variant (also known as c.520C>T), located in coding exon 4 of the LDB3 gene, results from a C to T substitution at nucleotide position 520. The proline at codon 174 is replaced by serine, an amino acid with similar properties. This amino acid position is conserved. In addition, this alteration is predicted to be tolerated by in silico analysis. Based on the available evidence, the clinical significance of this variant remains unclear.

GeneDx
Classification: Uncertain significance. Last evaluated: 2019-11-26. Review status: criteria provided, single submitter. Criteria: GeneDx Variant Classification Process June 2021. Collection method: clinical testing. Allele origin: germline. Affected: yes.
Comment: Has not been previously published as pathogenic or benign to our knowledge; Not observed at a significant frequency in large population cohorts (Lek et al., 2016); In silico analysis, which includes splice predictors and evolutionary conservation, supports that this variant does not alter protein structure/function

NM_007078.3(LDB3):c.520C>T (p.Pro174Ser)

Gene: LDB3 (LIM domain binding 3; plus strand). Cytogenetic location: 10q23.2.
Variant type: single nucleotide variant.
Coding change: c.520C>T on transcript NM_007078.3 (MANE Select); coding-DNA position 520, C replaced by T.
Protein change: p.Pro174Ser; replaces proline 174 with serine.
Molecular consequence: missense variant. On other transcripts: intron variant (5).
Genome position (GRCh38, 1-based): chr10:86,681,634, C>T. VCF-style: chr10-86681634-C-T. GRCh37 (hg19) VCF-style: chr10-88441391-C-T.
Other names: c.520C>T, p.Pro174Ser (NM_001080115.2, NM_001171610.2, NM_001171611.2 and 3 more transcripts); c.321+1477C>T (NM_001368068.1, NM_001368066.1, NM_001080114.2 and 2 more transcripts); c.520C>T (NM_007078.2); short protein forms P174S.
Identifiers: ClinVar variation 1186813 (VCV001186813.3), dbSNP rs749215979, ClinGen allele CA5584725.